The following is an entry in ClinVar:

ClinVar aggregate classification (germline): Likely pathogenic (1 of 4 stars; one submission).

Conditions:
Pfeiffer syndrome (ACS5). Also called: ACS V. Identifiers: Orphanet 710, MedGen C0220658, MONDO:0007043, OMIM 101600.
Hypogonadotropic hypogonadism 2 with or without anosmia (HH2). Also called: FGFR1-Related GnRH Deficiency (Kallmann Syndrome 2); HYPOGONADOTROPIC HYPOGONADISM 2 WITHOUT ANOSMIA; HYPOGONADOTROPIC HYPOGONADISM 2 WITH OR WITHOUT ANOSMIA, SUSCEPTIBILITY TO; HYPOGONADOTROPIC HYPOGONADISM 2 WITHOUT ANOSMIA, SUSCEPTIBILITY TO. Identifiers: Orphanet 478, MedGen C1563720, MONDO:0007844, OMIM 147950. Disease mechanism: loss of function.

Submission:

Labcorp Genetics (formerly Invitae), Labcorp
Classification: Likely pathogenic for Pfeiffer syndrome; Hypogonadotropic hypogonadism 2 with or without anosmia. Last evaluated: 2021-07-06. Review status: criteria provided, single submitter. Criteria: Invitae Variant Classification Sherloc (09022015). Collection method: clinical testing. Allele origin: germline.
Comment: Disruption of this splice site has been observed in individual(s) with hypogonadotropic hypogonadism (Invitae). This variant is not present in population databases (ExAC no frequency). This sequence change affects an acceptor splice site in intron 5 of the FGFR1 gene. It is expected to disrupt RNA splicing. Variants that disrupt the donor or acceptor splice site typically lead to a loss of protein function (PMID: 16199547), and loss-of-function variants in FGFR1 are known to be pathogenic (PMID: 12627230). Algorithms developed to predict the effect of sequence changes on RNA splicing suggest that this variant may disrupt the consensus splice site. In summary, the currently available evidence indicates that the variant is pathogenic, but additional data are needed to prove that conclusively. Therefore, this variant has been classified as Likely Pathogenic.

Literature cited by the submitters: PubMed 16199547; PubMed 12627230.

NM_023110.3(FGFR1):c.622-2A>G

Gene: FGFR1 (fibroblast growth factor receptor 1; minus strand). Cytogenetic location: 8p11.23.
Variant type: single nucleotide variant.
Coding change: c.622-2A>G on transcript NM_023110.3 (MANE Select); the canonical splice acceptor site of the intron before coding-DNA position 622, A replaced by G.
Molecular consequence: splice acceptor variant.
Genome position (GRCh38, 1-based): chr8:38,426,247, T>C on the plus strand (A>G on the coding strand, the complement: FGFR1 is on the minus strand). VCF-style: chr8-38426247-T-C. GRCh37 (hg19) VCF-style: chr8-38283765-T-C.
Other names: c.349-2A>G (NM_001354368.2, NM_001354370.2, NM_023106.3); c.355-2A>G (NM_023105.3, NM_001174066.2); c.616-2A>G (NM_001354367.2, NM_015850.4, NM_001354369.2 and 2 more transcripts); c.622-2A>G (NM_001174063.2); c.598-2A>G (NM_001174064.2); c.715-2A>G (NM_001174067.2).
Identifiers: ClinVar variation 1478581 (VCV001478581.6), dbSNP rs2150866757, ClinGen allele CA370735485.